The following is an entry in ClinVar:

NM_000465.4(BARD1):c.585T>C (p.Ala195=)

Gene: BARD1 (BRCA1 associated RING domain 1; minus strand). Cytogenetic location: 2q35.
Variant type: single nucleotide variant.
Coding change: c.585T>C on transcript NM_000465.4 (MANE Select); coding-DNA position 585, T replaced by C.
Protein change: p.Ala195=; no amino-acid change (alanine 195 retained).
Molecular consequence: synonymous variant. On other transcripts: non-coding transcript variant (2), intron variant (3).
Genome position (GRCh38, 1-based): chr2:214,781,289, A>G on the plus strand (T>C on the coding strand, the complement: BARD1 is on the minus strand). VCF-style: chr2-214781289-A-G. GRCh37 (hg19) VCF-style: chr2-215646013-A-G.
Other names: NP_000456.2:p.Ala195=; c.528T>C, p.Ala176= (NM_001282543.2); c.158+28123T>C (NM_001282548.2); c.215+15772T>C (NM_001282545.2); c.364+11008T>C (NM_001282549.2).
Identifiers: ClinVar variation 230373 (VCV000230373.19), dbSNP rs876658532, ClinGen allele CA10577845.

ClinVar aggregate classification (germline): Benign/Likely benign. Review status: criteria provided, multiple submitters, no conflicts (2 of 4 stars). 7 submissions from 7 submitters: Benign (1); Likely benign (6). Last evaluated 2026-04-25.

Conditions:
Hereditary cancer-predisposing syndrome. Also called: Tumor predisposition; Neoplastic Syndromes, Hereditary; Hereditary Cancer Syndrome; Hereditary neoplastic syndrome. Identifiers: Orphanet 140162, MedGen C0027672, MeSH D009386, MONDO:0015356.
Hereditary breast ovarian cancer syndrome. Also called: Hereditary breast and ovarian cancer; Hereditary breast and/or ovarian cancer syndrome; Hereditary breast and ovarian cancer syndrome (HBOC); Hereditary breast and ovarian cancer syndrome; Breast and ovarian cancer; BRCA1- and BRCA2-Associated Hereditary Breast and Ovarian Cancer. Identifiers: Orphanet 145, MedGen C0677776, MeSH D061325, MONDO:0003582. Disease mechanism: loss of function.
Familial cancer of breast. Also called: BREAST CANCER, FAMILIAL; Hereditary breast cancer; hereditary breast carcinoma. Identifiers: Orphanet 227535, MedGen C0346153, MONDO:0016419, OMIM 114480. Disease mechanism: loss of function.

Allele frequency attached by ClinVar (database versions not stated): gnomAD exomes below 0.00001; gnomAD 0.00001; TOPMed 0.00002.

Submissions (7):

Women's Health and Genetics/Laboratory Corporation of America, LabCorp
Classification: Likely benign. Last evaluated: 2026-04-25. Review status: criteria provided, single submitter. Criteria: LabCorp Variant Classification Summary - May 2015. Collection method: clinical testing. Allele origin: germline.

Labcorp Genetics (formerly Invitae), Labcorp
Classification: Likely benign for Familial cancer of breast. Last evaluated: 2025-10-15. Review status: criteria provided, single submitter. Criteria: Invitae Variant Classification Sherloc (09022015). Collection method: clinical testing. Allele origin: germline.

Myriad Genetics, Inc.
Classification: Benign for Familial cancer of breast. Last evaluated: 2024-07-22. Review status: criteria provided, single submitter. Criteria: Myriad Autosomal Dominant, Autosomal Recessive and X-Linked Classification Criteria (2023). Collection method: clinical testing. Allele origin: unknown.
Comment: This variant is considered benign. This variant is a silent/synonymous amino acid change and it is not expected to impact splicing.

National Health Laboratory Service, Universitas Academic Hospital and University of the Free State
Classification: Likely benign for Hereditary breast ovarian cancer syndrome. Last evaluated: 2022-04-19. Review status: criteria provided, single submitter. Criteria: ACMG Guidelines, 2015. Collection method: clinical testing. Allele origin: germline. Affected: yes. Observed: 1 variant allele.

Sema4
Classification: Likely benign for Hereditary cancer-predisposing syndrome. Last evaluated: 2021-05-20. Review status: criteria provided, single submitter. Criteria: Sema4 Curation Guidelines. Collection method: curation. Allele origin: germline.

GeneDx
Classification: Likely benign. Last evaluated: 2018-01-02. Review status: criteria provided, single submitter. Criteria: GeneDx Variant Classification (06012015). Collection method: clinical testing. Allele origin: germline. Affected: yes.
Comment: This variant is considered likely benign or benign based on one or more of the following criteria: it is a conservative change, it occurs at a poorly conserved position in the protein, it is predicted to be benign by multiple in silico algorithms, and/or has population frequency not consistent with disease.

Ambry Genetics
Classification: Likely benign for Hereditary cancer-predisposing syndrome. Last evaluated: 2015-02-16. Review status: criteria provided, single submitter. Criteria: Ambry Variant Classification Scheme 2023. Collection method: clinical testing. Allele origin: germline.